The following is an entry in ClinVar:

NM_000284.4(PDHA1):c.724TAC[1] (p.Tyr243del)

Gene: PDHA1 (pyruvate dehydrogenase E1 subunit alpha 1; plus strand). Cytogenetic location: Xp22.12.
Variant type: Microsatellite.
Coding change: c.724TAC[1] on transcript NM_000284.4 (MANE Select); one copy of the 3-base unit TAC starting at c.724; the reference has two copies in a row; one copy, 3 bases deleted.
Protein change: p.Tyr243del; deletes tyrosine 243.
Molecular consequence: inframe deletion.
Genome position (GRCh38, 1-based): chrX:19,355,472-19,355,474, TAC deleted; deleting any 3 consecutive bases within chrX:19,355,469-19,355,474 gives the same sequence; the position shown is the placement nearest the transcript's 3' end. VCF-style (leftmost placement, unchanged base first): chrX-19355468-TTAC-T. GRCh37 (hg19) VCF-style: chrX-19373586-TTAC-T.
Other names: c.838TAC[1], p.Tyr281del (NM_001173454.2); c.745TAC[1], p.Tyr250del (NM_001173455.2); c.631TAC[1], p.Tyr212del (NM_001173456.2); short protein forms Y212del, Y243del, Y250del, Y281del.
Identifiers: ClinVar variation 4070508 (VCV004070508.1).

ClinVar aggregate classification (germline): Pathogenic (0 of 4 stars; one submission).

Conditions:
Pyruvate dehydrogenase E1-alpha deficiency (PDHAD). Also called: ATAXIA, INTERMITTENT, WITH PYRUVATE DEHYDROGENASE DEFICIENCY; ATAXIA WITH LACTIC ACIDOSIS I; ATAXIA, INTERMITTENT, WITH ABNORMAL PYRUVATE METABOLISM; Ataxia, intermittent, with pyruvate dehydrogenase, or decarboxylase, deficiency. Identifiers: Orphanet 79243, MedGen C1839413, MONDO:0010717, OMIM 312170.

Submission:

PDHA1 Study Group, University Children’s Hospital, Paracelsus Medical University
Classification: Pathogenic for Pyruvate dehydrogenase E1-alpha deficiency. Last evaluated: 2024-10-15. Review status: no assertion criteria provided. Collection method: research. Allele origin: de novo. Affected: yes. Observed: 2 variant alleles.
Comment: The NM_000284.3:c.727_729del (p.Tyr243del) change is a deletion-insertion (delins) variant in PDHA1 gene. In total, 2 individuals were diagnosed with PDHA1-related Pyruvate dehydrogenase complex (PDHc) deficiency (MIM #312170). Among them, 2 cases had confirmed de novo occurrence. The variant has been reported in 2 published cases (PMIDs: 10679936, 20002461). Last literature search: July 12, 2024. This variant is absent or extremely rare in population-based cohorts in the Genome Aggregation Database (gnomAD). Individuals harboring this variant presented with clinical features compatible with PDHA1-related PDHc deficiency. In summary, this variant meets criteria to be classified as pathogenic (P) for PDHA1-related PDHc deficiency based on the ACMG/AMP criteria applied: PS2, PS3, PM2, PM4, PM7 (last assessment October 15, 2024).

Literature cited by the submitters: PubMed 10679936; PubMed 20002461; DOI 10.1093/brain/awaf430.